The following is an entry in ClinVar:

ClinVar aggregate classification (germline): Uncertain significance (1 of 4 stars; one submission).

Conditions:
Ehlers-Danlos syndrome, type 4 (EDSVASC). Also called: Ehlers-Danlos syndrome vascular type; Ehlers Danlos syndrome, ecchymotic type; Ehlers Danlos syndrome, arterial type; Ehlers Danlos syndrome, Sack-Barabas type; Ehlers-Danlos Syndrome Type IV. Identifiers: Orphanet 286, MedGen C0268338, MONDO:0017314, OMIM 130050.

Submission:

Labcorp Genetics (formerly Invitae), Labcorp
Classification: Uncertain significance for Ehlers-Danlos syndrome, type 4. Last evaluated: 2026-01-26. Review status: criteria provided, single submitter. Criteria: Invitae Variant Classification Sherloc (09022015). Collection method: clinical testing. Allele origin: germline.
Comment: This sequence change replaces proline, which is neutral and non-polar, with leucine, which is neutral and non-polar, at codon 385 of the COL3A1 protein (p.Pro385Leu). This variant is not present in population databases (gnomAD no frequency). This variant has not been reported in the literature in individuals affected with COL3A1-related conditions. ClinVar contains an entry for this variant (Variation ID: 2886448). Invitae Evidence Modeling of protein sequence and biophysical properties (such as structural, functional, and spatial information, amino acid conservation, physicochemical variation, residue mobility, and thermodynamic stability) indicates that this missense variant is not expected to disrupt COL3A1 protein function with a negative predictive value of 95%. In summary, the available evidence is currently insufficient to determine the role of this variant in disease. Therefore, it has been classified as a Variant of Uncertain Significance.

NM_000090.4(COL3A1):c.1154C>T (p.Pro385Leu)

Gene: COL3A1 (collagen type III alpha 1 chain; plus strand). Cytogenetic location: 2q32.2.
Variant type: single nucleotide variant.
Coding change: c.1154C>T on transcript NM_000090.4 (MANE Select); coding-DNA position 1154, C replaced by T.
Protein change: p.Pro385Leu; replaces proline 385 with leucine.
Molecular consequence: missense variant.
Genome position (GRCh38, 1-based): chr2:188,994,042, C>T. VCF-style: chr2-188994042-C-T. GRCh37 (hg19) VCF-style: chr2-189858768-C-T.
Other names: short protein forms P385L.
Identifiers: ClinVar variation 2886448 (VCV002886448.3), dbSNP rs1688244079, ClinGen allele CA349851131.